The following is an entry in ClinVar:

NM_002334.4(LRP4):c.2216-3C>T

Gene: LRP4 (LDL receptor related protein 4; minus strand). Cytogenetic location: 11p11.2.
Variant type: single nucleotide variant.
Coding change: c.2216-3C>T on transcript NM_002334.4 (MANE Select); 3 bases into the intron before coding-DNA position 2216, C replaced by T.
Molecular consequence: intron variant.
Genome position (GRCh38, 1-based): chr11:46,886,536, G>A on the plus strand (C>T on the coding strand, the complement: LRP4 is on the minus strand). VCF-style: chr11-46886536-G-A. GRCh37 (hg19) VCF-style: chr11-46908087-G-A.
Identifiers: ClinVar variation 1479004 (VCV001479004.4), dbSNP rs555994387, ClinGen allele CA5969945.

ClinVar aggregate classification (germline): Uncertain significance. Review status: criteria provided, multiple submitters, no conflicts (2 of 4 stars). 2 submissions from 2 submitters: Uncertain significance (2). Last evaluated 2024-05-10.

Conditions:
Sclerosteosis 2 (SOST2). Identifiers: Orphanet 3152, MedGen C3280402, MONDO:0013679, OMIM 614305.
Cenani-Lenz syndactyly syndrome. Also called: SYNDACTYLY, TYPE VII; CENANI SYNDACTYLISM. Identifiers: Orphanet 3258, MedGen C1859309, MONDO:0008931, OMIM 212780.
Congenital myasthenic syndrome 17. Identifiers: Orphanet 590, MedGen C4225377, MONDO:0014578, OMIM 616304.

Allele frequency attached by ClinVar (database versions not stated): gnomAD exomes 0.00001; TOPMed 0.00001; ExAC 0.00002; gnomAD 0.00003; 1000 Genomes Project 30x 0.00016; 1000 Genomes Project 0.00020.
gnomAD v4.1: 12 of 1,613,588 alleles (0.00074%); highest among the groups gnomAD compares: East Asian, 0.0067%; no homozygotes.

Submissions (2):

Fulgent Genetics
Classification: Uncertain significance for Cenani-Lenz syndactyly syndrome; Sclerosteosis 2; Congenital myasthenic syndrome 17. Last evaluated: 2024-05-10. Review status: criteria provided, single submitter. Criteria: ACMG Guidelines, 2015. Collection method: clinical testing. Allele origin: germline.

Labcorp Genetics (formerly Invitae), Labcorp
Classification: Uncertain significance for Cenani-Lenz syndactyly syndrome; Sclerosteosis 2; Congenital myasthenic syndrome 17. Last evaluated: 2021-01-06. Review status: criteria provided, single submitter. Criteria: Invitae Variant Classification Sherloc (09022015). Collection method: clinical testing. Allele origin: germline.
Comment: This sequence change falls in intron 16 of the LRP4 gene. It does not directly change the encoded amino acid sequence of the LRP4 protein. It affects a nucleotide within the consensus splice site of the intron. This variant is present in population databases (rs555994387, ExAC 0.01%). This variant has not been reported in the literature in individuals with LRP4-related conditions. Nucleotide substitutions within the consensus splice site are a relatively common cause of aberrant splicing (PMID: 17576681, 9536098). Algorithms developed to predict the effect of sequence changes on RNA splicing suggest that this variant is not likely to affect RNA splicing, but this prediction has not been confirmed by published transcriptional studies. In summary, the available evidence is currently insufficient to determine the role of this variant in disease. Therefore, it has been classified as a Variant of Uncertain Significance.

Literature cited by the submitters: PubMed 17576681 (cited by Labcorp Genetics (formerly Invitae), Labcorp); PubMed 9536098 (cited by Labcorp Genetics (formerly Invitae), Labcorp).